The following is an entry in ClinVar:

ClinVar aggregate classification (germline): Uncertain significance (1 of 4 stars; one submission).

Conditions:
Cardiovascular phenotype. Identifiers: MedGen CN230736.

gnomAD v4.1: 4 of 1,613,810 alleles (0.00025%); highest among the groups gnomAD compares: Middle Eastern, 0.033%; no homozygotes.

Submission:

Ambry Genetics
Classification: Uncertain significance for Cardiovascular phenotype. Last evaluated: 2026-07-20. Review status: criteria provided, single submitter. Criteria: Ambry Variant Classification Scheme 2023. Collection method: clinical testing. Allele origin: germline.
Comment: The p.S3077F variant (also known as c.9230C>T), located in coding exon 26 of the TNXB gene, results from a C to T substitution at nucleotide position 9230. The serine at codon 3077 is replaced by phenylalanine, an amino acid with highly dissimilar properties. This amino acid position is well conserved in available vertebrate species. In addition, this alteration is predicted to be tolerated by in silico analysis. Based on the available evidence, the clinical significance of this variant remains unclear.

NM_001365276.2(TNXB):c.9236C>T (p.Ser3079Phe)

Gene: TNXB (tenascin XB; minus strand). Cytogenetic location: 6p21.33.
Variant type: single nucleotide variant.
Coding change: c.9236C>T on transcript NM_001365276.2 (MANE Select); coding-DNA position 9236, C replaced by T.
Protein change: p.Ser3079Phe; replaces serine 3079 with phenylalanine.
Molecular consequence: missense variant.
Genome position (GRCh38, 1-based): chr6:32,050,201, G>A on the plus strand (C>T on the coding strand, the complement: TNXB is on the minus strand). VCF-style: chr6-32050201-G-A. GRCh37 (hg19) VCF-style: chr6-32017978-G-A.
Other names: c.9977C>T, p.Ser3326Phe (NM_001428335.1); c.9230C>T, p.Ser3077Phe (NM_019105.8); short protein forms S3326F, S3077F, S3079F.
Identifiers: ClinVar variation 5031021 (VCV005031021.1).